The following is an entry in ClinVar:

ClinVar aggregate classification (germline): Likely pathogenic (1 of 4 stars; one submission).

Conditions:
Hyperammonemia, type III (NAGSD). Also called: Hyperammonemia due to N-acetylglutamate synthase deficiency. Identifiers: Orphanet 927, MedGen C0268543, MONDO:0009377, OMIM 237310.

gnomAD v4.1: 2 of 1,612,940 alleles (0.00012%); highest among the groups gnomAD compares: African/African-American, 0.0013%; no homozygotes.

Submission:

Natera, Inc.
Classification: Likely pathogenic for Hyperammonemia type III. Last evaluated: 2024-11-15. Review status: criteria provided, single submitter. Criteria: Natera Variant Classification Schema (03/2026). Collection method: clinical testing. Allele origin: germline.
Comment: The c.791C>T variant in NAGS is a missense variant predicted to cause substitution of threonine to methionine at amino acid 264. This variant is rare in the general population with a frequency below the threshold expected for the associated phenotype(s). This variant has been observed in one or more individuals affected with the associated recessive disease, as either homozygous or compound heterozygous with a second variant (PMID: 27037498). This variant has been identified in one or more affected individuals with a phenotype highly consistent with the associated gene (PMID: 27037498). Functional studies show that this variant may disrupt protein function (PMID: 38740568). Computational prediction algorithms indicate this variant is likely to affect gene or protein function. Given the available evidence, this variant is classified as Likely Pathogenic.

Literature cited by the submitters: PubMed 27037498; PubMed 38740568.

NM_153006.3(NAGS):c.791C>T (p.Thr264Met)

Gene: NAGS (N-acetylglutamate synthase; plus strand). Cytogenetic location: 17q21.31.
Variant type: single nucleotide variant.
Coding change: c.791C>T on transcript NM_153006.3 (MANE Select); coding-DNA position 791, C replaced by T.
Protein change: p.Thr264Met; replaces threonine 264 with methionine.
Molecular consequence: missense variant.
Genome position (GRCh38, 1-based): chr17:44,006,113, C>T. VCF-style: chr17-44006113-C-T. GRCh37 (hg19) VCF-style: chr17-42083481-C-T.
Other names: short protein forms T264M.
Identifiers: ClinVar variation 4816906 (VCV004816906.1).